The following is an entry in ClinVar:

ClinVar aggregate classification (germline): Uncertain significance. Review status: criteria provided, multiple submitters, no conflicts (2 of 4 stars). 2 submissions from 2 submitters: Uncertain significance (2). Last evaluated 2024-03-06.

Conditions:
Cardiomyopathy (CMYO). Also called: Cardiomyopathies. Identifiers: Orphanet 167848, MedGen C0878544, MONDO:0004994, HP:0001638. Inheritance: Various modes of inheritance.
Catecholaminergic polymorphic ventricular tachycardia 1. Also called: RYR2-Related Catecholaminergic Polymorphic Ventricular Tachycardia; VENTRICULAR TACHYCARDIA, CATECHOLAMINERGIC POLYMORPHIC, 1, WITH OR WITHOUT ATRIAL DYSFUNCTION AND/OR DILATED CARDIOMYOPATHY; VENTRICULAR TACHYCARDIA, STRESS-INDUCED POLYMORPHIC 1. Identifiers: Orphanet 3286, MedGen C1631597, MONDO:0011484, OMIM 604772.

Allele frequency attached by ClinVar (database versions not stated): gnomAD exomes below 0.00001 and 0.00001; ExAC 0.00002.
gnomAD v4.1: 4 of 1,612,094 alleles (0.00025%); highest among the groups gnomAD compares: Non-Finnish European, 0.00034%; no homozygotes.

Submissions (2):

Color Diagnostics, LLC DBA Color Health
Classification: Uncertain significance for Cardiomyopathy. Last evaluated: 2024-03-06. Review status: criteria provided, single submitter. Criteria: ACMG Guidelines, 2015. Collection method: clinical testing. Allele origin: germline.
Comment: This missense variant replaces isoleucine with methionine at codon 1299 of the RYR2 protein. Computational prediction suggests that this variant may not impact protein structure and function (internally defined REVEL score threshold <= 0.5, PMID: 27666373). To our knowledge, functional studies have not been reported for this variant. This variant has not been reported in individuals affected with cardiovascular disorders in the literature. This variant has been identified in 1/247718 chromosomes in the general population by the Genome Aggregation Database (gnomAD). The available evidence is insufficient to determine the role of this variant in disease conclusively. Therefore, this variant is classified as a Variant of Uncertain Significance.

Labcorp Genetics (formerly Invitae), Labcorp
Classification: Uncertain significance for Catecholaminergic polymorphic ventricular tachycardia 1. Last evaluated: 2022-10-21. Review status: criteria provided, single submitter. Criteria: Invitae Variant Classification Sherloc (09022015). Collection method: clinical testing. Allele origin: germline.
Comment: This sequence change replaces isoleucine, which is neutral and non-polar, with methionine, which is neutral and non-polar, at codon 1299 of the RYR2 protein (p.Ile1299Met). This variant is present in population databases (rs747846327, gnomAD 0.0009%). This variant has not been reported in the literature in individuals affected with RYR2-related conditions. ClinVar contains an entry for this variant (Variation ID: 201168). Advanced modeling of protein sequence and biophysical properties (such as structural, functional, and spatial information, amino acid conservation, physicochemical variation, residue mobility, and thermodynamic stability) performed at Invitae indicates that this missense variant is not expected to disrupt RYR2 protein function. In summary, the available evidence is currently insufficient to determine the role of this variant in disease. Therefore, it has been classified as a Variant of Uncertain Significance.

NM_001035.3(RYR2):c.3897C>G (p.Ile1299Met)

Genes: RYR2 (ryanodine receptor 2; plus strand), LOC126806067 (BRD4-independent group 4 enhancer GRCh37_chr1:237753258-237754457; plus strand). Cytogenetic location: 1q43.
Variant type: single nucleotide variant.
Coding change: c.3897C>G on transcript NM_001035.3 (MANE Select); coding-DNA position 3897, C replaced by G.
Protein change: p.Ile1299Met; replaces isoleucine 1299 with methionine.
Molecular consequence: missense variant.
Genome position (GRCh38, 1-based): chr1:237,590,729, C>G. VCF-style: chr1-237590729-C-G. GRCh37 (hg19) VCF-style: chr1-237754029-C-G.
Other names: short protein forms I1299M.
Identifiers: ClinVar variation 201168 (VCV000201168.14), dbSNP rs747846327, ClinGen allele CA009393.